The following is an entry in ClinVar:

ClinVar aggregate classification (germline): Benign/Likely benign. Review status: criteria provided, multiple submitters, no conflicts (2 of 4 stars). 2 submissions from 2 submitters: Benign (1); Likely benign (1). Last evaluated 2026-07-02.

Conditions:
Sessile serrated polyposis cancer syndrome (SSPCS). Identifiers: Orphanet 157798, MedGen C4310714, MONDO:0014919, OMIM 617108.

Allele frequency attached by ClinVar (database versions not stated): gnomAD exomes below 0.00001; ExAC 0.00001.
gnomAD v4.1: 1 of 1,614,186 alleles (0.000062%); highest among the groups gnomAD compares: East Asian, 0.0022%; no homozygotes.

Submissions (2):

Myriad Genetics, Inc.
Classification: Benign for Sessile serrated polyposis cancer syndrome. Last evaluated: 2026-07-02. Review status: criteria provided, single submitter. Criteria: Myriad Autosomal Dominant, Autosomal Recessive and X-Linked Classification Criteria (2023). Collection method: clinical testing. Allele origin: unknown.
Comment: This variant is considered benign. This variant is a silent/synonymous amino acid change and it is not expected to impact splicing.

Labcorp Genetics (formerly Invitae), Labcorp
Classification: Likely benign. Last evaluated: 2021-12-29. Review status: criteria provided, single submitter. Criteria: Invitae Variant Classification Sherloc (09022015). Collection method: clinical testing. Allele origin: germline.

NM_017763.6(RNF43):c.1935C>G (p.Ser645=)

Gene: RNF43 (ring finger protein 43; minus strand). Cytogenetic location: 17q22.
Variant type: single nucleotide variant.
Coding change: c.1935C>G on transcript NM_017763.6 (MANE Select); coding-DNA position 1935, C replaced by G.
Protein change: p.Ser645=; no amino-acid change (serine 645 retained).
Molecular consequence: synonymous variant.
Genome position (GRCh38, 1-based): chr17:58,357,841, G>C on the plus strand (C>G on the coding strand, the complement: RNF43 is on the minus strand). VCF-style: chr17-58357841-G-C. GRCh37 (hg19) VCF-style: chr17-56435202-G-C.
Other names: c.1935C>G, p.Ser645= (NM_001305544.3); c.1554C>G, p.Ser518= (NM_001305545.2).
Identifiers: ClinVar variation 2415814 (VCV002415814.6), dbSNP rs753073311, ClinGen allele CA8673089.